The following is an entry in ClinVar:

NM_005068.3(SIM1):c.1960G>A (p.Ala654Thr)

Gene: SIM1 (SIM bHLH transcription factor 1; minus strand). Cytogenetic location: 6q16.3.
Variant type: single nucleotide variant.
Coding change: c.1960G>A on transcript NM_005068.3 (MANE Select); coding-DNA position 1960, G replaced by A.
Protein change: p.Ala654Thr; replaces alanine 654 with threonine.
Molecular consequence: missense variant.
Genome position (GRCh38, 1-based): chr6:100,390,702, C>T on the plus strand (G>A on the coding strand, the complement: SIM1 is on the minus strand). VCF-style: chr6-100390702-C-T. GRCh37 (hg19) VCF-style: chr6-100838578-C-T.
Other names: c.1960G>A, p.Ala654Thr (NM_001374769.1); short protein forms A654T.
Identifiers: ClinVar variation 2259547 (VCV002259547.5), dbSNP rs1021298872, ClinGen allele CA144530201.

ClinVar aggregate classification (germline): Likely benign. Review status: criteria provided, single submitter (1 of 4 stars). 2 submissions from 2 submitters: Likely benign (1). 1 of the submissions does not count toward it. Last evaluated 2021-12-08.

Conditions:
SIM1-related disorder. Also called: SIM1-related condition; SIM1-related disorders.
Inborn genetic diseases. Identifiers: MedGen C0950123, MeSH D030342.

Allele frequency attached by ClinVar (database versions not stated): gnomAD 0.00001; gnomAD exomes 0.00001.
gnomAD v4.1: 17 of 1,613,934 alleles (0.0011%); highest among the groups gnomAD compares: East Asian, 0.0022%; no homozygotes.

Submissions (2):

Ambry Genetics
Classification: Likely benign for Inborn genetic diseases. Last evaluated: 2021-12-08. Review status: criteria provided, single submitter. Criteria: Ambry Variant Classification Scheme 2023. Collection method: clinical testing. Allele origin: germline.

PreventionGenetics, part of Exact Sciences
Classification: Uncertain significance for SIM1-related condition. Last evaluated: 2023-12-07. Review status: no assertion criteria provided. Collection method: clinical testing. Allele origin: germline. Not counted in ClinVar's aggregate classification.
Comment: The SIM1 c.1960G>A variant is predicted to result in the amino acid substitution p.Ala654Thr. To our knowledge, this variant has not been reported in the literature. This variant is reported in 0.0023% of alleles in individuals of European (Non-Finnish) descent in gnomAD. Of note, in multiple vertebrate species a threonine (Thr) is present at the Ala654 residue. At this time, the clinical significance of this variant is uncertain due to the absence of conclusive functional and genetic evidence.